The following is an entry in ClinVar:

ClinVar aggregate classification (germline): Uncertain significance. Review status: criteria provided, multiple submitters, no conflicts (2 of 4 stars). 2 submissions from 2 submitters: Uncertain significance (2). Last evaluated 2025-08-01.

Conditions:
PIK3CA-related disorder. Also called: PIK3CA-related disorders; PIK3CA- related disease; PIK3CA-related condition.
Cowden syndrome (CS). Also called: Cowden disease; Cowden's disease; Cowden's syndrome. Identifiers: Orphanet 201, MedGen C0018553, MONDO:0016063. Disease mechanism: gain of function.

Submissions (2):

PreventionGenetics, part of Exact Sciences
Classification: Uncertain significance for PIK3CA-related condition. Last evaluated: 2025-08-01. Review status: criteria provided, single submitter. Criteria: ACMG Guidelines, 2015. Collection method: clinical testing. Allele origin: germline.
Comment: The PIK3CA c.1664+6T>G variant is predicted to interfere with splicing. To our knowledge, this variant has not been reported in the literature or in a large population database (gnomAD), indicating this variant is rare. This variant impacts a nucleotide in the consensus splice sequence, but algorithms designed to assess RNA splicing indicate this variant does not impact splicing. This variant is classified as uncertain in ClinVar (Variation ID: 2152244). At this time, the clinical significance of this variant is uncertain due to the absence of conclusive functional and genetic evidence.

Labcorp Genetics (formerly Invitae), Labcorp
Classification: Uncertain significance for Cowden syndrome. Last evaluated: 2022-09-22. Review status: criteria provided, single submitter. Criteria: Invitae Variant Classification Sherloc (09022015). Collection method: clinical testing. Allele origin: germline.
Comment: In summary, the available evidence is currently insufficient to determine the role of this variant in disease. Therefore, it has been classified as a Variant of Uncertain Significance. Variants that disrupt the consensus splice site are a relatively common cause of aberrant splicing (PMID: 17576681, 9536098). Algorithms developed to predict the effect of sequence changes on RNA splicing suggest that this variant is not likely to affect RNA splicing. This variant has not been reported in the literature in individuals affected with PIK3CA-related conditions. This variant is not present in population databases (gnomAD no frequency). This sequence change falls in intron 10 of the PIK3CA gene. It does not directly change the encoded amino acid sequence of the PIK3CA protein. It affects a nucleotide within the consensus splice site.

Literature cited by the submitters: PubMed 17576681 (cited by Labcorp Genetics (formerly Invitae), Labcorp); PubMed 9536098 (cited by Labcorp Genetics (formerly Invitae), Labcorp).

NM_006218.4(PIK3CA):c.1664+6T>G

Gene: PIK3CA (phosphatidylinositol-4,5-bisphosphate 3-kinase catalytic subunit alpha; plus strand). Cytogenetic location: 3q26.32.
Variant type: single nucleotide variant.
Coding change: c.1664+6T>G on transcript NM_006218.4 (MANE Select); 6 bases into the intron after coding-DNA position 1664, T replaced by G.
Molecular consequence: intron variant.
Genome position (GRCh38, 1-based): chr3:179,218,340, T>G. VCF-style: chr3-179218340-T-G. GRCh37 (hg19) VCF-style: chr3-178936128-T-G.
Other names: c.1664+6T>G (NM_006218.3).
Identifiers: ClinVar variation 2152244 (VCV002152244.5), dbSNP rs2108408513, ClinGen allele CA2571549082.